The following is an entry in ClinVar:

ClinVar aggregate classification (germline): Uncertain significance (1 of 4 stars; one submission).

gnomAD v4.1: 5 of 1,613,936 alleles (0.00031%); highest among the groups gnomAD compares: Middle Eastern, 0.033%; no homozygotes.

Submission:

Labcorp Genetics (formerly Invitae), Labcorp
Classification: Uncertain significance. Last evaluated: 2022-05-06. Review status: criteria provided, single submitter. Criteria: Invitae Variant Classification Sherloc (09022015). Collection method: clinical testing. Allele origin: germline.
Comment: In summary, the available evidence is currently insufficient to determine the role of this variant in disease. Therefore, it has been classified as a Variant of Uncertain Significance. Algorithms developed to predict the effect of missense changes on protein structure and function are either unavailable or do not agree on the potential impact of this missense change (SIFT: "Deleterious"; PolyPhen-2: "Possibly Damaging"; Align-GVGD: "Class C0"). This variant has not been reported in the literature in individuals affected with ADAMTS9-related conditions. This variant is not present in population databases (gnomAD no frequency). This sequence change replaces alanine, which is neutral and non-polar, with glutamic acid, which is acidic and polar, at codon 1768 of the ADAMTS9 protein (p.Ala1768Glu).

NM_182920.2(ADAMTS9):c.5303C>A (p.Ala1768Glu)

Genes: ADAMTS9 (ADAM metallopeptidase with thrombospondin type 1 motif 9; minus strand), LOC126806704 (BRD4-independent group 4 enhancer GRCh37_chr3:64526487-64527686; plus strand). Cytogenetic location: 3p14.1.
Variant type: single nucleotide variant.
Coding change: c.5303C>A on transcript NM_182920.2 (MANE Select); coding-DNA position 5303, C replaced by A.
Protein change: p.Ala1768Glu; replaces alanine 1768 with glutamic acid.
Molecular consequence: missense variant.
Genome position (GRCh38, 1-based): chr3:64,541,404, G>T on the plus strand (C>A on the coding strand, the complement: ADAMTS9 is on the minus strand). VCF-style: chr3-64541404-G-T. GRCh37 (hg19) VCF-style: chr3-64527080-G-T.
Other names: c.5219C>A, p.Ala1740Glu (NM_001318781.2); short protein forms A1768E, A1740E.
Identifiers: ClinVar variation 1905860 (VCV001905860.5), dbSNP rs200398762, ClinGen allele CA353442018.